The following is an entry in ClinVar:

NM_005585.5(SMAD6):c.533C>G (p.Ser178Trp)

Gene: SMAD6 (SMAD family member 6; plus strand). Cytogenetic location: 15q22.31.
Variant type: single nucleotide variant.
Coding change: c.533C>G on transcript NM_005585.5 (MANE Select); coding-DNA position 533, C replaced by G.
Protein change: p.Ser178Trp; replaces serine 178 with tryptophan.
Molecular consequence: missense variant. On other transcripts: non-coding transcript variant (1).
Genome position (GRCh38, 1-based): chr15:66,703,791, C>G. VCF-style: chr15-66703791-C-G. GRCh37 (hg19) VCF-style: chr15-66996129-C-G.
Other names: short protein forms S178W.
Identifiers: ClinVar variation 1746922 (VCV001746922.5), dbSNP rs776347265, ClinGen allele CA7626483.

ClinVar aggregate classification (germline): Uncertain significance. Review status: criteria provided, multiple submitters, no conflicts (2 of 4 stars). 2 submissions from 2 submitters: Uncertain significance (2). Last evaluated 2023-09-30.

Conditions:
Inborn genetic diseases. Identifiers: MedGen C0950123, MeSH D030342.
Aortic valve disease 2 (AOVD2). Identifiers: MedGen C3542024, MONDO:0013902, OMIM 614823.

Allele frequency attached by ClinVar (database versions not stated): ExAC 0.00004.
gnomAD v4.1: 9 of 1,441,246 alleles (0.00062%); highest among the groups gnomAD compares: Non-Finnish European, 0.00074%; no homozygotes.

Submissions (2):

Labcorp Genetics (formerly Invitae), Labcorp
Classification: Uncertain significance for Aortic valve disease 2. Last evaluated: 2023-09-30. Review status: criteria provided, single submitter. Criteria: Invitae Variant Classification Sherloc (09022015). Collection method: clinical testing. Allele origin: germline.
Comment: This sequence change replaces serine, which is neutral and polar, with tryptophan, which is neutral and slightly polar, at codon 178 of the SMAD6 protein (p.Ser178Trp). The frequency data for this variant in the population databases is considered unreliable, as metrics indicate poor data quality at this position in the gnomAD database. This variant has not been reported in the literature in individuals affected with SMAD6-related conditions. ClinVar contains an entry for this variant (Variation ID: 1746922). Advanced modeling of protein sequence and biophysical properties (such as structural, functional, and spatial information, amino acid conservation, physicochemical variation, residue mobility, and thermodynamic stability) performed at Invitae indicates that this missense variant is not expected to disrupt SMAD6 protein function. In summary, the available evidence is currently insufficient to determine the role of this variant in disease. Therefore, it has been classified as a Variant of Uncertain Significance.

Ambry Genetics
Classification: Uncertain significance for Inborn genetic diseases. Last evaluated: 2022-05-30. Review status: criteria provided, single submitter. Criteria: Ambry Variant Classification Scheme 2023. Collection method: clinical testing. Allele origin: germline.
Comment: The p.S178W variant (also known as c.533C>G), located in coding exon 1 of the SMAD6 gene, results from a C to G substitution at nucleotide position 533. The serine at codon 178 is replaced by tryptophan, an amino acid with highly dissimilar properties. This amino acid position is conserved. In addition, the in silico prediction for this alteration is inconclusive. Since supporting evidence is limited at this time, the clinical significance of this alteration remains unclear.